The following is an entry in ClinVar:

NM_017763.6(RNF43):c.928C>T (p.Pro310Ser)

Gene: RNF43 (ring finger protein 43; minus strand). Cytogenetic location: 17q22.
Variant type: single nucleotide variant.
Coding change: c.928C>T on transcript NM_017763.6 (MANE Select); coding-DNA position 928, C replaced by T.
Protein change: p.Pro310Ser; replaces proline 310 with serine.
Molecular consequence: missense variant.
Genome position (GRCh38, 1-based): chr17:58,360,173, G>A on the plus strand (C>T on the coding strand, the complement: RNF43 is on the minus strand). VCF-style: chr17-58360173-G-A. GRCh37 (hg19) VCF-style: chr17-56437534-G-A.
Other names: c.928C>T, p.Pro310Ser (NM_001305544.3); c.547C>T, p.Pro183Ser (NM_001305545.2); short protein forms P310S, P183S.
Identifiers: ClinVar variation 1443355 (VCV001443355.10), dbSNP rs1972801645, ClinGen allele CA400333336.

ClinVar aggregate classification (germline): Uncertain significance. Review status: criteria provided, multiple submitters, no conflicts (2 of 4 stars). 3 submissions from 3 submitters: Uncertain significance (3). Last evaluated 2025-02-27.

Allele frequency attached by ClinVar (database versions not stated): gnomAD exomes below 0.00001; TOPMed 0.00001.
gnomAD v4.1: 1 of 1,613,880 alleles (0.000062%); highest among the groups gnomAD compares: Non-Finnish European, 0.000085%; no homozygotes.

Submissions (3):

Labcorp Genetics (formerly Invitae), Labcorp
Classification: Uncertain significance. Last evaluated: 2025-02-27. Review status: criteria provided, single submitter. Criteria: Invitae Variant Classification Sherloc (09022015). Collection method: clinical testing. Allele origin: germline.
Comment: This sequence change replaces proline, which is neutral and non-polar, with serine, which is neutral and polar, at codon 310 of the RNF43 protein (p.Pro310Ser). This variant is not present in population databases (gnomAD no frequency). This variant has not been reported in the literature in individuals affected with RNF43-related conditions. ClinVar contains an entry for this variant (Variation ID: 1443355). An algorithm developed to predict the effect of missense changes on protein structure and function (PolyPhen-2) suggests that this variant is likely to be disruptive. In summary, the available evidence is currently insufficient to determine the role of this variant in disease. Therefore, it has been classified as a Variant of Uncertain Significance.

Ambry Genetics
Classification: Uncertain significance. Last evaluated: 2025-02-26. Review status: criteria provided, single submitter. Criteria: Ambry Variant Classification Scheme 2023. Collection method: clinical testing. Allele origin: germline.
Comment: The p.P310S variant (also known as c.928C>T), located in coding exon 7 of the RNF43 gene, results from a C to T substitution at nucleotide position 928. The proline at codon 310 is replaced by serine, an amino acid with similar properties. This amino acid position is highly conserved in available vertebrate species. In addition, this alteration is predicted to be deleterious by in silico analysis. The evidence for this gene-disease relationship is limited; therefore, the clinical significance of this alteration is unclear.

GeneDx
Classification: Uncertain significance. Last evaluated: 2022-05-05. Review status: criteria provided, single submitter. Criteria: GeneDx Variant Classification Process June 2021. Collection method: clinical testing. Allele origin: germline. Affected: yes.
Comment: Not observed at significant frequency in large population cohorts (gnomAD); In silico analysis supports that this missense variant has a deleterious effect on protein structure/function; Has not been previously published as pathogenic or benign to our knowledge; Variants in candidate genes are classified as variants of uncertain significance in accordance with ACMG guidelines (Richards et al., 2015)